The following is an entry in ClinVar:

NM_001024613.4(FEZF1):c.1343A>C (p.Gln448Pro)

Gene: FEZF1 (FEZ family zinc finger 1; minus strand). Cytogenetic location: 7q31.32.
Variant type: single nucleotide variant.
Coding change: c.1343A>C on transcript NM_001024613.4 (MANE Select); coding-DNA position 1343, A replaced by C.
Protein change: p.Gln448Pro; replaces glutamine 448 with proline.
Molecular consequence: missense variant.
Genome position (GRCh38, 1-based): chr7:122,302,082, T>G on the plus strand (A>C on the coding strand, the complement: FEZF1 is on the minus strand). VCF-style: chr7-122302082-T-G. GRCh37 (hg19) VCF-style: chr7-121942136-T-G.
Other names: c.1193A>C, p.Gln398Pro (NM_001160264.3); short protein forms Q398P, Q448P.
Identifiers: ClinVar variation 1344748 (VCV001344748.3), dbSNP rs561681709, ClinGen allele CA4458801.

ClinVar aggregate classification (germline): Likely benign. Review status: criteria provided, single submitter (1 of 4 stars). 2 submissions from 2 submitters: Likely benign (1). 1 of the submissions does not count toward it. Last evaluated 2018-12-10.

Conditions:
Amenorrhea. Identifiers: MedGen C0002453, MONDO:0001836, HP:0000141.

Allele frequency attached by ClinVar (database versions not stated): gnomAD 0.00008 and 0.00009; gnomAD exomes 0.00005 and 0.00008; ExAC 0.00005; TOPMed 0.00009.
gnomAD v4.1: 126 of 1,608,904 alleles (0.0078%); highest among the groups gnomAD compares: Non-Finnish European, 0.0099%; no homozygotes.

Submissions (2):

GeneDx
Classification: Likely benign. Last evaluated: 2018-12-10. Review status: criteria provided, single submitter. Criteria: GeneDx Variant Classification Process June 2021. Collection method: clinical testing. Allele origin: germline. Affected: yes.
Comment: See Variant Classification Assertion Criteria.

Yale Center for Mendelian Genomics, Yale University
Classification: Uncertain significance for Amenorrhea. Last evaluated: 2021-03-08. Review status: no assertion criteria provided. Collection method: literature only. Allele origin: unknown. Affected: yes. Observed: 1 heterozygote. Study: Yale Center for Mendelian Genomics. Not counted in ClinVar's aggregate classification.

Literature cited by the submitters: PubMed 32870266 (cited by Yale Center for Mendelian Genomics, Yale University).